The following is an entry in ClinVar:

NM_001384732.1(CPLANE1):c.5601T>A (p.Asp1867Glu)

Gene: CPLANE1 (ciliogenesis and planar polarity effector complex subunit 1; minus strand). Cytogenetic location: 5p13.2.
Variant type: single nucleotide variant.
Coding change: c.5601T>A on transcript NM_001384732.1 (MANE Select); coding-DNA position 5601, T replaced by A.
Protein change: p.Asp1867Glu; replaces aspartic acid 1867 with glutamic acid.
Molecular consequence: missense variant.
Genome position (GRCh38, 1-based): chr5:37,180,153, A>T on the plus strand (T>A on the coding strand, the complement: CPLANE1 is on the minus strand). VCF-style: chr5-37180153-A-T. GRCh37 (hg19) VCF-style: chr5-37180255-A-T.
Other names: c.5601T>A, p.Asp1867Glu (NM_023073.4); short protein forms D1867E.
Identifiers: ClinVar variation 834240 (VCV000834240.6), dbSNP rs976028353, ClinGen allele CA117066801.

ClinVar aggregate classification (germline): Conflicting classifications of pathogenicity. Review status: criteria provided, conflicting classifications (1 of 4 stars). 2 submissions from 2 submitters: Uncertain significance (1); Likely benign (1). Last evaluated 2023-12-11.

Submissions (2):

Labcorp Genetics (formerly Invitae), Labcorp
Classification: Uncertain significance. Last evaluated: 2023-12-11. Review status: criteria provided, single submitter. Criteria: Invitae Variant Classification Sherloc (09022015). Collection method: clinical testing. Allele origin: germline.
Comment: This sequence change replaces aspartic acid, which is acidic and polar, with glutamic acid, which is acidic and polar, at codon 1867 of the CPLANE1 protein (p.Asp1867Glu). This variant is not present in population databases (gnomAD no frequency). This variant has not been reported in the literature in individuals affected with CPLANE1-related conditions. ClinVar contains an entry for this variant (Variation ID: 834240). Advanced modeling of protein sequence and biophysical properties (such as structural, functional, and spatial information, amino acid conservation, physicochemical variation, residue mobility, and thermodynamic stability) performed at Invitae indicates that this missense variant is not expected to disrupt CPLANE1 protein function with a negative predictive value of 95%. In summary, the available evidence is currently insufficient to determine the role of this variant in disease. Therefore, it has been classified as a Variant of Uncertain Significance.

Blueprint Genetics
Classification: Likely benign. Last evaluated: 2021-09-15. Review status: criteria provided, single submitter. Criteria: ACMG Guidelines, 2015. Collection method: clinical testing. Allele origin: germline.